The following is an entry in ClinVar:

ClinVar aggregate classification (germline): Conflicting classifications of pathogenicity. Review status: criteria provided, conflicting classifications (1 of 4 stars). 9 submissions from 9 submitters: Uncertain significance (5); Likely benign (3). 1 of the submissions does not count toward it. Last evaluated 2025-12-12.

Conditions:
Hereditary nonpolyposis colorectal neoplasms. Identifiers: MedGen C0009405, MeSH D003123.
Hereditary cancer-predisposing syndrome. Also called: Tumor predisposition; Hereditary neoplastic syndrome; Neoplastic Syndromes, Hereditary; Hereditary Cancer Syndrome. Identifiers: Orphanet 140162, MedGen C0027672, MeSH D009386, MONDO:0015356.
Lynch syndrome. Identifiers: Orphanet 144, MedGen C4552100, MONDO:0005835. Disease mechanism: loss of function.
Endometrial carcinoma. Also called: Endometrial carcinoma, somatic. Identifiers: MedGen C0476089, MONDO:0002447, OMIM 608089, HP:0012114.

Allele frequency attached by ClinVar (database versions not stated): gnomAD 0.00001; gnomAD exomes 0.00001 and 0.00002; ExAC 0.00003; TOPMed 0.00003.
gnomAD v4.1: 15 of 1,613,904 alleles (0.00093%); highest among the groups gnomAD compares: Non-Finnish European, 0.0011%; no homozygotes.

Submissions (9):

Labcorp Genetics (formerly Invitae), Labcorp
Classification: Likely benign for Hereditary nonpolyposis colorectal neoplasms. Last evaluated: 2025-12-12. Review status: criteria provided, single submitter. Criteria: Invitae Variant Classification Sherloc (09022015). Collection method: clinical testing. Allele origin: germline.

Quest Diagnostics Nichols Institute San Juan Capistrano
Classification: Uncertain significance. Last evaluated: 2025-02-24. Review status: criteria provided, single submitter. Criteria: Quest Diagnostics criteria. Collection method: clinical testing. Allele origin: unknown.
Comment: The MSH6 c.476C>T (p.Ala159Val) variant has been reported in the published literature in individuals affected with breast cancer (PMID: 33471991 (2021), see also LOVD), an advanced adenoma (PMID: 29245953 (2017)), and an unspecified cancer (PMID: 31391288 (2020)). This variant has also been observed in reportedly healthy individuals (PMID: 24728327 (2014), 33471991 (2021), see also LOVD). The frequency of this variant in the general population (Genome Aggregation Database) is uninformative in the assessment of its pathogenicity. Analysis of this variant using bioinformatics tools for the prediction of the effect of amino acid changes on protein structure and function yielded predictions that this variant is benign. Based on the available information, we are unable to determine the clinical significance of this variant.

Color Diagnostics, LLC DBA Color Health
Classification: Likely benign for Hereditary cancer-predisposing syndrome. Last evaluated: 2024-10-10. Review status: criteria provided, single submitter. Criteria: ACMG Guidelines, 2015. Collection method: clinical testing. Allele origin: germline.

Ambry Genetics
Classification: Uncertain significance for Hereditary cancer-predisposing syndrome. Last evaluated: 2024-04-22. Review status: criteria provided, single submitter. Criteria: Ambry Variant Classification Scheme 2023. Collection method: clinical testing. Allele origin: germline.
Comment: The p.A159V variant (also known as c.476C>T), located in coding exon 3 of the MSH6 gene, results from a C to T substitution at nucleotide position 476. The alanine at codon 159 is replaced by valine, an amino acid with similar properties. This amino acid position is well conserved in available vertebrate species. In addition, this alteration is predicted to be tolerated by in silico analysis. Since supporting evidence is limited at this time, the clinical significance of this alteration remains unclear.

All of Us Research Program, National Institutes of Health
Classification: Likely benign for Lynch syndrome. Last evaluated: 2023-12-01. Review status: criteria provided, single submitter. Criteria: ACMG Guidelines, 2015. Collection method: clinical testing. Allele origin: germline. Inheritance: Autosomal dominant inheritance. Observed: 5 variant alleles, 5 heterozygotes.
Comment: This study involves interpretation of variants in research participants for the purpose of population health screening. Participant phenotype was not available at the time of variant classification. Additional details can be found in publication PMID: 35346344, PMCID: PMC8962531

Baylor Genetics
Classification: Uncertain significance for Endometrial carcinoma. Last evaluated: 2023-08-29. Review status: criteria provided, single submitter. Criteria: ACMG Guidelines, 2015. Collection method: clinical testing. Allele origin: unknown.

GeneDx
Classification: Uncertain significance. Last evaluated: 2023-05-03. Review status: criteria provided, single submitter. Criteria: GeneDx Variant Classification Process June 2021. Collection method: clinical testing. Allele origin: germline. Affected: yes.
Comment: Not observed at significant frequency in large population cohorts (gnomAD); In silico analysis supports that this missense variant does not alter protein structure/function; Observed in unaffected individuals under the age of 50 undergoing whole genome sequencing (Bodian et al., 2014); This variant is associated with the following publications: (PMID: 23621914, 24728327)

Women's Health and Genetics/Laboratory Corporation of America, LabCorp
Classification: Uncertain significance. Last evaluated: 2016-05-03. Review status: criteria provided, single submitter. Criteria: LabCorp Variant Classification Summary - May 2015. Collection method: clinical testing. Allele origin: germline.
Comment: Variant summary: The c.476C>T variant affects a conserved nucleotide, resulting in amino acid change from Ala to Val. 2/4 in-silico tools predict this variant to be benign (SNPs&GO not captured due to low reliability index). This variant is found in 4/120712 control chromosomes at a frequency of 0.0000331, which does not exceed maximal expected frequency of a pathogenic allele (0.0001421). The variant of interest has not, to our knowledge, been reported in affected individuals via publications and/or reputable databases/clinical laboratories; nor evaluated for functional impact by in vivo/vitro studies. Because of the absence of clinical information and the lack of functional studies, the variant was classified as a variant of uncertain significance (VUS) until additional information becomes available.

ITMI
No classification provided. Condition: AllHighlyPenetrant. Last evaluated: 2013-09-19. Review status: no classification provided. Collection method: reference population. Allele origin: germline. Not counted in ClinVar's aggregate classification.
Comment: Please see associated publication for description of ethnicities

Literature cited by the submitters: PubMed 23621914 (cited by Quest Diagnostics Nichols Institute San Juan Capistrano and Women's Health and Genetics/Laboratory Corporation of America, LabCorp); PubMed 24728327 (cited by 3 submitters); PubMed 33471991 (cited by Quest Diagnostics Nichols Institute San Juan Capistrano); PubMed 31391288 (cited by Quest Diagnostics Nichols Institute San Juan Capistrano); PubMed 29245953 (cited by Quest Diagnostics Nichols Institute San Juan Capistrano).

NM_000179.3(MSH6):c.476C>T (p.Ala159Val)

Gene: MSH6 (mutS homolog 6; plus strand). Cytogenetic location: 2p16.3.
Variant type: single nucleotide variant.
Coding change: c.476C>T on transcript NM_000179.3 (MANE Select); coding-DNA position 476, C replaced by T.
Protein change: p.Ala159Val; replaces alanine 159 with valine.
Molecular consequence: missense variant. On other transcripts: 5 prime UTR variant (1), intron variant (2).
Genome position (GRCh38, 1-based): chr2:47,795,912, C>T. VCF-style: chr2-47795912-C-T. GRCh37 (hg19) VCF-style: chr2-48023051-C-T.
Other names: c.-427C>T (NM_001281494.2); c.-279-2699C>T (NM_001281493.2); c.238-2699C>T (NM_001281492.2); short protein forms A159V.
Identifiers: ClinVar variation 134848 (VCV000134848.23), dbSNP rs587778528, ClinGen allele CA015692.